The following is an entry in ClinVar:

NM_001378120.1(MBD5):c.835A>T (p.Met279Leu)

Gene: MBD5 (methyl-CpG binding domain protein 5; plus strand). Cytogenetic location: 2q23.1.
Variant type: single nucleotide variant.
Coding change: c.835A>T on transcript NM_001378120.1 (MANE Select); coding-DNA position 835, A replaced by T.
Protein change: p.Met279Leu; replaces methionine 279 with leucine.
Molecular consequence: missense variant.
Genome position (GRCh38, 1-based): chr2:148,468,778, A>T. VCF-style: chr2-148468778-A-T. GRCh37 (hg19) VCF-style: chr2-149226347-A-T.
Other names: c.835A>T, p.Met279Leu (NM_018328.5); short protein forms M279L.
Identifiers: ClinVar variation 3622458 (VCV003622458.2).
Genomic context (GRCh38, chr2:148,468,778, plus strand): 5'-GGAGCTCCCAATTCTAGTCCTATTCACCTGAATAGGACTCCTCTTTCTCCACCTTCAGTA[A>T]TGCTACATGGTTCTCCTGTACAGTCATCCTGTGCAATGGCTGGAAGGACTAATATACCTC-3'
Protein context (NP_001365049.1, residues 269-289): NRTPLSPPSV[Met279Leu]LHGSPVQSSC

ClinVar aggregate classification (germline): Uncertain significance (1 of 4 stars; one submission).

Conditions:
Intellectual developmental disorder, autosomal dominant 1. Also called: MBD5 Haploinsufficiency; Intellectual disability, autosomal dominant 1. Identifiers: Orphanet 228402, MedGen C1969562, MONDO:0007974, OMIM 156200.

gnomAD v4.1: 2 of 1,613,942 alleles (0.00012%); highest among the groups gnomAD compares: Non-Finnish European, 0.00017%; no homozygotes.

Submission:

Labcorp Genetics (formerly Invitae), Labcorp
Classification: Uncertain significance for Intellectual developmental disorder, autosomal dominant 1. Last evaluated: 2024-11-03. Review status: criteria provided, single submitter. Criteria: Invitae Variant Classification Sherloc (09022015). Collection method: clinical testing. Allele origin: germline.
Comment: This sequence change replaces methionine, which is neutral and non-polar, with leucine, which is neutral and non-polar, at codon 279 of the MBD5 protein (p.Met279Leu). This variant is not present in population databases (gnomAD no frequency). This variant has not been reported in the literature in individuals affected with MBD5-related conditions. Invitae Evidence Modeling of protein sequence and biophysical properties (such as structural, functional, and spatial information, amino acid conservation, physicochemical variation, residue mobility, and thermodynamic stability) indicates that this missense variant is not expected to disrupt MBD5 protein function with a negative predictive value of 80%. In summary, the available evidence is currently insufficient to determine the role of this variant in disease. Therefore, it has been classified as a Variant of Uncertain Significance.